The following is an entry in ClinVar:

ClinVar aggregate classification (germline): Uncertain significance. Review status: criteria provided, multiple submitters, no conflicts (2 of 4 stars). 2 submissions from 2 submitters: Uncertain significance (2). Last evaluated 2026-08-12.

Conditions:
SNTA1-related disorder. Also called: SNTA1-related condition.
Cardiovascular phenotype. Identifiers: MedGen CN230736.

Submissions (2):

PreventionGenetics, part of Exact Sciences
Classification: Uncertain significance for SNTA1-related condition. Last evaluated: 2026-08-12. Review status: criteria provided, single submitter. Criteria: ACMG Guidelines, 2015. Collection method: clinical testing. Allele origin: germline.
Comment: The SNTA1 c.337C>T variant is predicted to result in the amino acid substitution p.Leu113Phe. To our knowledge, this variant has not been reported in the literature. This variant is reported in 0.012% of alleles in individuals of African descent in gnomAD. At this time, the clinical significance of this variant is uncertain due to the absence of conclusive functional and genetic evidence.

Ambry Genetics
Classification: Uncertain significance for Cardiovascular phenotype. Last evaluated: 2024-06-09. Review status: criteria provided, single submitter. Criteria: Ambry Variant Classification Scheme 2023. Collection method: clinical testing. Allele origin: germline.
Comment: The p.L113F variant (also known as c.337C>T), located in coding exon 2 of the SNTA1 gene, results from a C to T substitution at nucleotide position 337. The leucine at codon 113 is replaced by phenylalanine, an amino acid with highly similar properties. This amino acid position is conserved. In addition, the in silico prediction for this alteration is inconclusive. Based on the available evidence, the clinical significance of this variant remains unclear.

NM_003098.3(SNTA1):c.337C>T (p.Leu113Phe)

Gene: SNTA1 (syntrophin alpha 1; minus strand). Cytogenetic location: 20q11.21.
Variant type: single nucleotide variant.
Coding change: c.337C>T on transcript NM_003098.3 (MANE Select); coding-DNA position 337, C replaced by T.
Protein change: p.Leu113Phe; replaces leucine 113 with phenylalanine.
Molecular consequence: missense variant.
Genome position (GRCh38, 1-based): chr20:33,439,000, G>A on the plus strand (C>T on the coding strand, the complement: SNTA1 is on the minus strand). VCF-style: chr20-33439000-G-A. GRCh37 (hg19) VCF-style: chr20-32026806-G-A.
Other names: c.337C>T, p.Leu113Phe (NM_001424413.1, NM_001424414.1); short protein forms L113F.
Identifiers: ClinVar variation 3321217 (VCV003321217.2).